The following is an entry in ClinVar:

ClinVar aggregate classification (germline): Uncertain significance. Review status: criteria provided, multiple submitters, no conflicts (2 of 4 stars). 2 submissions from 2 submitters: Uncertain significance (2). Last evaluated 2025-10-22.

Conditions:
Inborn genetic diseases. Identifiers: MedGen C0950123, MeSH D030342.

Allele frequency attached by ClinVar (database versions not stated): TOPMed 0.00004; ExAC 0.00005; gnomAD 0.00002 and 0.00003; gnomAD exomes 0.00004.
gnomAD v4.1: 40 of 1,613,882 alleles (0.0025%); highest among the groups gnomAD compares: Non-Finnish European, 0.0032%; no homozygotes.

Submissions (2):

Ambry Genetics
Classification: Uncertain significance for Inborn genetic diseases. Last evaluated: 2025-10-22. Review status: criteria provided, single submitter. Criteria: Ambry Variant Classification Scheme 2023. Collection method: clinical testing. Allele origin: germline.

Labcorp Genetics (formerly Invitae), Labcorp
Classification: Uncertain significance. Last evaluated: 2022-08-19. Review status: criteria provided, single submitter. Criteria: Invitae Variant Classification Sherloc (09022015). Collection method: clinical testing. Allele origin: germline.
Comment: This sequence change replaces aspartic acid, which is acidic and polar, with glutamic acid, which is acidic and polar, at codon 1040 of the MYO18B protein (p.Asp1040Glu). This variant is present in population databases (rs758252317, gnomAD 0.007%). This variant has not been reported in the literature in individuals affected with MYO18B-related conditions. ClinVar contains an entry for this variant (Variation ID: 1473472). Algorithms developed to predict the effect of missense changes on protein structure and function are either unavailable or do not agree on the potential impact of this missense change (SIFT: "Not Available"; PolyPhen-2: "Probably Damaging"; Align-GVGD: "Not Available"). In summary, the available evidence is currently insufficient to determine the role of this variant in disease. Therefore, it has been classified as a Variant of Uncertain Significance.

NM_032608.7(MYO18B):c.3120T>G (p.Asp1040Glu)

Gene: MYO18B (myosin XVIIIB; plus strand). Cytogenetic location: 22q12.1.
Variant type: single nucleotide variant.
Coding change: c.3120T>G on transcript NM_032608.7 (MANE Select); coding-DNA position 3120, T replaced by G.
Protein change: p.Asp1040Glu; replaces aspartic acid 1040 with glutamic acid.
Molecular consequence: missense variant.
Genome position (GRCh38, 1-based): chr22:25,835,355, T>G. VCF-style: chr22-25835355-T-G. GRCh37 (hg19) VCF-style: chr22-26231322-T-G.
Other names: c.3123T>G, p.Asp1041Glu (NM_001318245.2); c.3120T>G (NM_032608.5); short protein forms D1041E, D1040E.
Identifiers: ClinVar variation 1473472 (VCV001473472.6), dbSNP rs758252317, ClinGen allele CA10160456.